The following is an entry in ClinVar:

ClinVar aggregate classification (germline): Uncertain significance (1 of 4 stars; one submission).

Submission:

GeneDx
Classification: Uncertain significance. Last evaluated: 2022-07-27. Review status: criteria provided, single submitter. Criteria: GeneDx Variant Classification Process June 2021. Collection method: clinical testing. Allele origin: germline. Affected: yes.
Comment: Not observed at significant frequency in large population cohorts (gnomAD); In silico analysis supports that this missense variant does not alter protein structure/function; Has not been previously published as pathogenic or benign to our knowledge

NM_020971.3(SPTBN4):c.2576C>T (p.Ala859Val)

Gene: SPTBN4 (spectrin beta, non-erythrocytic 4; plus strand). Cytogenetic location: 19q13.2.
Variant type: single nucleotide variant.
Coding change: c.2576C>T on transcript NM_020971.3 (MANE Select); coding-DNA position 2576, C replaced by T.
Protein change: p.Ala859Val; replaces alanine 859 with valine.
Molecular consequence: missense variant.
Genome position (GRCh38, 1-based): chr19:40,513,365, C>T. VCF-style: chr19-40513365-C-T. GRCh37 (hg19) VCF-style: chr19-41019272-C-T.
Other names: short protein forms A859V.
Identifiers: ClinVar variation 2412860 (VCV002412860.40), dbSNP rs2515032196, ClinGen allele CA405911915.
Genomic context (GRCh38, chr19:40,513,365, plus strand): 5'-TCGGGGGTGCCAGTGGCGCAGGGCCACTGGTGGTGGCGCTGCAGGTGCGCGTGGTGGAAG[C>T]AGAGCAGTTGTTCGCTGAGGTGACCGAAGTGGCGGCGCTGAGGCGCCAGTGGCTGCGGGA-3'
Protein context (NP_066022.2, residues 849-869): VVALQVRVVE[Ala859Val]EQLFAEVTEV